The following is an entry in ClinVar:

NM_004168.4(SDHA):c.806C>T (p.Ala269Val)

Gene: SDHA (succinate dehydrogenase complex flavoprotein subunit A; plus strand). Cytogenetic location: 5p15.33.
Variant type: single nucleotide variant.
Coding change: c.806C>T on transcript NM_004168.4 (MANE Select); coding-DNA position 806, C replaced by T.
Protein change: p.Ala269Val; replaces alanine 269 with valine.
Molecular consequence: missense variant.
Genome position (GRCh38, 1-based): chr5:230,911, C>T. VCF-style: chr5-230911-C-T. GRCh37 (hg19) VCF-style: chr5-231026-C-T.
Other names: c.662C>T, p.Ala221Val (NM_001294332.2); c.806C>T, p.Ala269Val (NM_001330758.2); short protein forms A221V, A269V.
Identifiers: ClinVar variation 3316855 (VCV003316855.1).
Genomic context (GRCh38, chr5:230,911, plus strand): 5'-AGTCACTGCTCTCTATTGTTTCCAGAGGCTACGGGCGCACCTACTTCAGCTGCACGTCTG[C>T]CCACACCAGCACTGGCGACGGCACGGCCATGATCACCAGGGCAGGCCTTCCTTGCCAGGA-3'
Protein context (NP_004159.2, residues 259-279): YGRTYFSCTS[Ala269Val]HTSTGDGTAM

ClinVar aggregate classification (germline): Uncertain significance (1 of 4 stars; one submission).

Conditions:
Hereditary cancer-predisposing syndrome. Also called: Neoplastic Syndromes, Hereditary; Tumor predisposition; Hereditary neoplastic syndrome; Hereditary Cancer Syndrome. Identifiers: Orphanet 140162, MedGen C0027672, MeSH D009386, MONDO:0015356.

Submission:

Ambry Genetics
Classification: Uncertain significance for Hereditary cancer-predisposing syndrome. Last evaluated: 2024-05-23. Review status: criteria provided, single submitter. Criteria: Ambry Variant Classification Scheme 2023. Collection method: clinical testing. Allele origin: germline.
Comment: The p.A269V variant (also known as c.806C>T), located in coding exon 7 of the SDHA gene, results from a C to T substitution at nucleotide position 806. The alanine at codon 269 is replaced by valine, an amino acid with similar properties. This amino acid position is conserved. In addition, this alteration is predicted to be deleterious by in silico analysis. Based on the available evidence, the clinical significance of this variant remains unclear.